The following is an entry in ClinVar:

NM_001174089.2(SLC4A11):c.44-81_44-74del

Gene: SLC4A11 (solute carrier family 4 member 11; minus strand). Cytogenetic location: 20p13.
Variant type: Deletion.
Coding change: c.44-81_44-74del on transcript NM_001174089.2 (MANE Select); 81 bases into the intron before coding-DNA position 44 through 74 bases into the intron before coding-DNA position 44, 8 bases deleted (TCGGGGGG; older notation c.44-81_44-74delTCGGGGGG).
Molecular consequence: intron variant. On other transcripts: frameshift variant (1).
Genome position (GRCh38, 1-based): chr20:3,237,662-3,237,669, CCCCCCGA deleted on the plus strand (TCGGGGGG on the coding strand, the reverse complement: SLC4A11 is on the minus strand); deleting any 8 consecutive bases within chr20:3,237,662-3,237,671 gives the same sequence; the c. name uses the placement nearest the transcript's 3' end. VCF-style (leftmost placement, unchanged base first): chr20-3237661-GCCCCCCGA-G. GRCh37 (hg19) VCF-style: chr20-3218307-GCCCCCCGA-G.
Other names: c.11_18del, p.Val4fs (NM_032034.4); c.44-81_44-74del (NM_001363745.2); c.173-81_173-74del (NM_001174090.2); short protein forms V4fs.
Identifiers: ClinVar variation 1443419 (VCV001443419.6), dbSNP rs2122651554, ClinGen allele CA2573156899.

ClinVar aggregate classification (germline): Pathogenic (1 of 4 stars; one submission).

Submission:

Labcorp Genetics (formerly Invitae), Labcorp
Classification: Pathogenic. Last evaluated: 2021-08-11. Review status: criteria provided, single submitter. Criteria: Invitae Variant Classification Sherloc (09022015). Collection method: clinical testing. Allele origin: germline.
Comment: This variant has not been reported in the literature in individuals affected with SLC4A11-related conditions. This sequence change creates a premature translational stop signal (p.Val4Alafs*18) in the SLC4A11 gene. It is expected to result in an absent or disrupted protein product. Loss-of-function variants in SLC4A11 are known to be pathogenic (PMID: 17220209, 17679935). This variant is not present in population databases (ExAC no frequency). For these reasons, this variant has been classified as Pathogenic.

Literature cited by the submitters: PubMed 17220209; PubMed 17679935.